The following is an entry in ClinVar:

NM_005475.3(SH2B3):c.632T>C (p.Met211Thr)

Gene: SH2B3 (SH2B adaptor protein 3; plus strand). Cytogenetic location: 12q24.12.
Variant type: single nucleotide variant.
Coding change: c.632T>C on transcript NM_005475.3 (MANE Select); coding-DNA position 632, T replaced by C.
Protein change: p.Met211Thr; replaces methionine 211 with threonine.
Molecular consequence: missense variant.
Genome position (GRCh38, 1-based): chr12:111,418,777, T>C. VCF-style: chr12-111418777-T-C. GRCh37 (hg19) VCF-style: chr12-111856581-T-C.
Other names: short protein forms M211T.
Identifiers: ClinVar variation 3602706 (VCV003602706.1).

ClinVar aggregate classification (germline): Uncertain significance (1 of 4 stars; one submission).

Conditions:
Thrombocytosis. Also called: Thrombocythemia; Thrombocytosis disease. Identifiers: MedGen C0836924, MONDO:0002249, HP:0001894.

gnomAD v4.1: 10 of 1,473,238 alleles (0.00068%); highest among the groups gnomAD compares: Middle Eastern, 0.024%; no homozygotes.

Submission:

St. Jude Molecular Pathology, St. Jude Children's Research Hospital
Classification: Uncertain significance for Thrombocythemia. Last evaluated: 2025-01-14. Review status: criteria provided, single submitter. Criteria: St. Jude Assertion Criteria 2020. Collection method: clinical testing. Allele origin: germline.
Comment: The SH2B3 c.632T>C p.(Met211Thr) missense change is absent in gnomAD v2.1.1. The in silico tool REVEL predicts a benign effect on protein function, but to our knowledge this prediction has not been confirmed by functional studies. To our knowledge, this variant has not been reported in individuals with SH2B3-related thrombocythemia. In summary, the evidence currently available is insufficient to determine the clinical significance of this variant. It has therefore been classified as of uncertain significance.